The following is an entry in ClinVar:

ClinVar aggregate classification (germline): Uncertain significance (1 of 4 stars; one submission).

Submission:

GeneDx
Classification: Uncertain significance. Last evaluated: 2024-12-16. Review status: criteria provided, single submitter. Criteria: GeneDx Variant Classification Process June 2021. Collection method: clinical testing. Allele origin: germline. Affected: yes.
Comment: Not observed at significant frequency in large population cohorts (gnomAD); In silico analysis supports that this missense variant has a deleterious effect on protein structure/function; Has not been previously published as pathogenic or benign to our knowledge

NM_031475.3(ESPN):c.2510T>C (p.Leu837Pro)

Gene: ESPN (espin; plus strand). Cytogenetic location: 1p36.31.
Variant type: single nucleotide variant.
Coding change: c.2510T>C on transcript NM_031475.3 (MANE Select); coding-DNA position 2510, T replaced by C.
Protein change: p.Leu837Pro; replaces leucine 837 with proline.
Molecular consequence: missense variant.
Genome position (GRCh38, 1-based): chr1:6,460,091, T>C. VCF-style: chr1-6460091-T-C. GRCh37 (hg19) VCF-style: chr1-6520151-T-C.
Other names: c.2420T>C, p.Leu807Pro (NM_001367473.1); c.2447T>C, p.Leu816Pro (NM_001367474.1); short protein forms L807P, L816P, L837P.
Identifiers: ClinVar variation 3906566 (VCV003906566.1).